The following is an entry in ClinVar:

NM_004444.5(EPHB4):c.338T>G (p.Val113Gly)

Gene: EPHB4 (EPH receptor B4; minus strand). Cytogenetic location: 7q22.1.
Variant type: single nucleotide variant.
Coding change: c.338T>G on transcript NM_004444.5 (MANE Select); coding-DNA position 338, T replaced by G.
Protein change: p.Val113Gly; replaces valine 113 with glycine.
Molecular consequence: missense variant.
Genome position (GRCh38, 1-based): chr7:100,823,717, A>C on the plus strand (T>G on the coding strand, the complement: EPHB4 is on the minus strand). VCF-style: chr7-100823717-A-C. GRCh37 (hg19) VCF-style: chr7-100421339-A-C.
Other names: short protein forms V113G.
Identifiers: ClinVar variation 3050200 (VCV003050200.2), dbSNP rs1813299505, ClinGen allele CA368582679.

ClinVar aggregate classification (germline): Uncertain significance (0 of 4 stars; one submission).

Conditions:
EPHB4-related disorder. Also called: EPHB4-related disorders; EPHB4-related condition.

Submission:

PreventionGenetics, part of Exact Sciences
Classification: Uncertain significance for EPHB4-related condition. Last evaluated: 2024-01-12. Review status: no assertion criteria provided. Collection method: clinical testing. Allele origin: germline.
Comment: The EPHB4 c.338T>G variant is predicted to result in the amino acid substitution p.Val113Gly. To our knowledge, this variant has not been reported in the literature or in a large population database, indicating this variant is rare. At this time, the clinical significance of this variant is uncertain due to the absence of conclusive functional and genetic evidence.